The following is an entry in ClinVar:

NM_006164.5(NFE2L2):c.430G>A (p.Val144Ile)

Gene: NFE2L2 (NFE2 like bZIP transcription factor 2; minus strand). Cytogenetic location: 2q31.2.
Variant type: single nucleotide variant.
Coding change: c.430G>A on transcript NM_006164.5 (MANE Select); coding-DNA position 430, G replaced by A.
Protein change: p.Val144Ile; replaces valine 144 with isoleucine.
Molecular consequence: missense variant.
Genome position (GRCh38, 1-based): chr2:177,232,556, C>T on the plus strand (G>A on the coding strand, the complement: NFE2L2 is on the minus strand). VCF-style: chr2-177232556-C-T. GRCh37 (hg19) VCF-style: chr2-178097284-C-T.
Other names: c.382G>A, p.Val128Ile (NM_001145412.3, NM_001313900.1, NM_001313901.1); c.361G>A, p.Val121Ile (NM_001145413.3); c.340G>A, p.Val114Ile (NM_001313902.2); c.211G>A, p.Val71Ile (NM_001313903.2); c.130G>A, p.Val44Ile (NM_001313904.1); short protein forms V114I, V71I, V144I, V121I, V128I, V44I.
Identifiers: ClinVar variation 2088114 (VCV002088114.4), dbSNP rs1159618192, ClinGen allele CA349376900.

ClinVar aggregate classification (germline): Uncertain significance (1 of 4 stars; one submission).

Allele frequency attached by ClinVar (database versions not stated): gnomAD exomes below 0.00001.

Submission:

Labcorp Genetics (formerly Invitae), Labcorp
Classification: Uncertain significance. Last evaluated: 2023-09-14. Review status: criteria provided, single submitter. Criteria: Invitae Variant Classification Sherloc (09022015). Collection method: clinical testing. Allele origin: germline.
Comment: This sequence change replaces valine, which is neutral and non-polar, with isoleucine, which is neutral and non-polar, at codon 144 of the NFE2L2 protein (p.Val144Ile). This variant is present in population databases (no rsID available, gnomAD no frequency). This variant has not been reported in the literature in individuals affected with NFE2L2-related conditions. ClinVar contains an entry for this variant (Variation ID: 2088114). Advanced modeling of protein sequence and biophysical properties (such as structural, functional, and spatial information, amino acid conservation, physicochemical variation, residue mobility, and thermodynamic stability) performed at Invitae indicates that this missense variant is not expected to disrupt NFE2L2 protein function. In summary, the available evidence is currently insufficient to determine the role of this variant in disease. Therefore, it has been classified as a Variant of Uncertain Significance.